The following is an entry in ClinVar:

NM_014996.4(PLCH1):c.3588T>A (p.Asp1196Glu)

Gene: PLCH1 (phospholipase C eta 1; minus strand). Cytogenetic location: 3q25.31.
Variant type: single nucleotide variant.
Coding change: c.3588T>A on transcript NM_014996.4 (MANE Select); coding-DNA position 3588, T replaced by A.
Protein change: p.Asp1196Glu; replaces aspartic acid 1196 with glutamic acid.
Molecular consequence: missense variant. On other transcripts: 3 prime UTR variant (3).
Genome position (GRCh38, 1-based): chr3:155,482,438, A>T on the plus strand (T>A on the coding strand, the complement: PLCH1 is on the minus strand). VCF-style: chr3-155482438-A-T. GRCh37 (hg19) VCF-style: chr3-155200227-A-T.
Other names: c.3612T>A, p.Asp1204Glu (NM_001130960.2); c.*631T>A (NM_001130961.2); c.*628T>A (NM_001349250.2, NM_001349252.2); c.3585T>A, p.Asp1195Glu (NM_001349251.2); c.3612T>A (NM_001130960.1); short protein forms D1195E, D1196E, D1204E.
Identifiers: ClinVar variation 3769429 (VCV003769429.3).

ClinVar aggregate classification (germline): Conflicting classifications of pathogenicity. Review status: criteria provided, conflicting classifications (1 of 4 stars). 2 submissions from 2 submitters: Uncertain significance (1); Likely benign (1). Last evaluated 2025-08-02.

gnomAD v4.1: 104 of 1,614,070 alleles (0.0064%); highest among the groups gnomAD compares: Admixed American, 0.12%; no homozygotes.

Submissions (2):

Ambry Genetics
Classification: Likely benign. Last evaluated: 2025-08-02. Review status: criteria provided, single submitter. Criteria: Ambry Variant Classification Scheme 2023. Collection method: clinical testing. Allele origin: germline.

Women's Health and Genetics/Laboratory Corporation of America, LabCorp
Classification: Uncertain significance. Last evaluated: 2025-01-31. Review status: criteria provided, single submitter. Criteria: LabCorp Variant Classification Summary - May 2015. Collection method: clinical testing. Allele origin: germline.
Comment: Variant summary: PLCH1 c.3612T>A (p.Asp1204Glu) results in a conservative amino acid change in the encoded protein sequence. Five of five in-silico tools predict a benign effect of the variant on protein function. The variant allele was found at a frequency of 4.8e-05 in 251324 control chromosomes. This frequency is not significantly higher than estimated for a pathogenic variant in PLCH1 causing Holoprosencephaly 14, allowing no conclusion about variant significance. To our knowledge, no occurrence of c.3612T>A in individuals affected with Holoprosencephaly 14 and no experimental evidence demonstrating its impact on protein function have been reported. No submitters have cited clinical-significance assessments for this variant to ClinVar. Based on the evidence outlined above, the variant was classified as uncertain significance.